The following is an entry in ClinVar:

ClinVar aggregate classification (germline): Uncertain significance (1 of 4 stars; one submission).

Allele frequency attached by ClinVar (database versions not stated): TOPMed 0.00005; gnomAD 0.00006; ExAC 0.00008; 1000 Genomes Project 0.00020; 1000 Genomes Project 30x 0.00031.
gnomAD v4.1: 61 of 1,613,906 alleles (0.0038%); highest among the groups gnomAD compares: East Asian, 0.018%; no homozygotes.

Submission:

Labcorp Genetics (formerly Invitae), Labcorp
Classification: Uncertain significance. Last evaluated: 2022-02-02. Review status: criteria provided, single submitter. Criteria: Invitae Variant Classification Sherloc (09022015). Collection method: clinical testing. Allele origin: germline.
Comment: This sequence change replaces alanine, which is neutral and non-polar, with threonine, which is neutral and polar, at codon 230 of the ABCA3 protein (p.Ala230Thr). This variant is present in population databases (rs199567944, gnomAD 0.02%). This variant has not been reported in the literature in individuals affected with ABCA3-related conditions. Algorithms developed to predict the effect of missense changes on protein structure and function are either unavailable or do not agree on the potential impact of this missense change (SIFT: "Deleterious"; PolyPhen-2: "Benign"; Align-GVGD: "Class C0"). In summary, the available evidence is currently insufficient to determine the role of this variant in disease. Therefore, it has been classified as a Variant of Uncertain Significance.

NM_001089.3(ABCA3):c.688G>A (p.Ala230Thr)

Gene: ABCA3 (ATP binding cassette subfamily A member 3; minus strand). Cytogenetic location: 16p13.3.
Variant type: single nucleotide variant.
Coding change: c.688G>A on transcript NM_001089.3 (MANE Select); coding-DNA position 688, G replaced by A.
Protein change: p.Ala230Thr; replaces alanine 230 with threonine.
Molecular consequence: missense variant.
Genome position (GRCh38, 1-based): chr16:2,319,766, C>T on the plus strand (G>A on the coding strand, the complement: ABCA3 is on the minus strand). VCF-style: chr16-2319766-C-T. GRCh37 (hg19) VCF-style: chr16-2369767-C-T.
Other names: short protein forms A230T.
Identifiers: ClinVar variation 2181025 (VCV002181025.1), dbSNP rs199567944, ClinGen allele CA7841551.